The following is an entry in ClinVar:

NM_001374736.1(DST):c.11928+5T>G

Gene: DST (dystonin; minus strand). Cytogenetic location: 6p12.1.
Variant type: single nucleotide variant.
Coding change: c.11928+5T>G on transcript NM_001374736.1 (MANE Select); 5 bases into the intron after coding-DNA position 11928, T replaced by G.
Molecular consequence: intron variant.
Genome position (GRCh38, 1-based): chr6:56,598,471, A>C on the plus strand (T>G on the coding strand, the complement: DST is on the minus strand). VCF-style: chr6-56598471-A-C. GRCh37 (hg19) VCF-style: chr6-56463269-A-C.
Other names: c.5571+5T>G (NM_001144769.5); c.11928+5T>G (NM_001374722.1); c.11955+5T>G (NM_001374734.1); c.5157+5T>G (NM_001144770.2); c.5037+5T>G (NM_001374730.1, NM_001386100.1, NM_183380.4); c.11295+5T>G (NM_001374729.1); c.4059+5T>G (NM_015548.5).
Identifiers: ClinVar variation 1003524 (VCV001003524.9), dbSNP rs2098413513, ClinGen allele CA1630167491.

ClinVar aggregate classification (germline): Uncertain significance (1 of 4 stars; one submission).

Conditions:
Hereditary sensory and autonomic neuropathy type 6. Also called: HSAN VI; Neuropathy, hereditary sensory and autonomic, type VI. Identifiers: Orphanet 314381, MedGen C3539003, MONDO:0013839, OMIM 614653.
Epidermolysis bullosa simplex 3, localized or generalized intermediate, with BP230 deficiency (EBS3). Also called: Epidermolysis bullosa simplex due to BP230 deficiency; Epidermolysis bullosa simplex, autosomal recessive 2. Identifiers: Orphanet 412181, MedGen C3809470, MONDO:0014180, OMIM 615425.

Submission:

Labcorp Genetics (formerly Invitae), Labcorp
Classification: Uncertain significance for Epidermolysis bullosa simplex 3, localized or generalized intermediate, with BP230 deficiency; Hereditary sensory and autonomic neuropathy type 6. Last evaluated: 2022-07-06. Review status: criteria provided, single submitter. Criteria: Invitae Variant Classification Sherloc (09022015). Collection method: clinical testing. Allele origin: germline.
Comment: This variant is not present in population databases (gnomAD no frequency). In summary, the available evidence is currently insufficient to determine the role of this variant in disease. Therefore, it has been classified as a Variant of Uncertain Significance. Variants that disrupt the consensus splice site are a relatively common cause of aberrant splicing (PMID: 17576681, 9536098). Algorithms developed to predict the effect of sequence changes on RNA splicing suggest that this variant may create or strengthen a splice site. This variant has not been reported in the literature in individuals affected with DST-related conditions. This sequence change falls in intron 27 of the DST gene. It does not directly change the encoded amino acid sequence of the DST protein. It affects a nucleotide within the consensus splice site. The DST gene has multiple clinically relevant transcripts. This variant occurs in alternate transcript NM_015548.4, and corresponds to NM_001723.5:c.*17046T>G in the primary transcript.

Literature cited by the submitters: PubMed 17576681; PubMed 9536098.